The following is an entry in ClinVar:

ClinVar aggregate classification (germline): Conflicting classifications of pathogenicity. Review status: criteria provided, conflicting classifications (1 of 4 stars). 5 submissions from 5 submitters: Uncertain significance (4); Likely benign (1). Last evaluated 2025-11-03.

Conditions:
Inborn genetic diseases. Identifiers: MedGen C0950123, MeSH D030342.
Acute myeloid leukemia (AML). Also called: Acute myeloid leukemia, adult; AML adult; Acute non-lymphocytic leukemia; Acute granulocytic leukemia; Leukemia, acute myelogenous, somatic; Leukemia, acute myeloid, somatic. Identifiers: Orphanet 519, MedGen C0023467, MeSH D015470, MONDO:0018874, OMIM 601626, HP:0004808. Disease mechanism: Constitutively activated FLT3.

Allele frequency attached by ClinVar (database versions not stated): gnomAD 0.00002 and 0.00003; gnomAD exomes 0.00002; TOPMed 0.00002.
gnomAD v4.1: 27 of 1,472,820 alleles (0.0018%); highest among the groups gnomAD compares: Middle Eastern, 0.035%; no homozygotes.

Submissions (5):

Labcorp Genetics (formerly Invitae), Labcorp
Classification: Uncertain significance for Acute myeloid leukemia. Last evaluated: 2025-11-03. Review status: criteria provided, single submitter. Criteria: Invitae Variant Classification Sherloc (09022015). Collection method: clinical testing. Allele origin: germline.
Comment: This sequence change replaces histidine, which is basic and polar, with glutamine, which is neutral and polar, at codon 84 of the CEBPA protein (p.His84Gln). This variant is not present in population databases (gnomAD no frequency). This variant has not been reported in the literature in individuals affected with CEBPA-related conditions. ClinVar contains an entry for this variant (Variation ID: 239920). Invitae Evidence Modeling of protein sequence and biophysical properties (such as structural, functional, and spatial information, amino acid conservation, physicochemical variation, residue mobility, and thermodynamic stability) indicates that this missense variant is not expected to disrupt CEBPA protein function with a negative predictive value of 80%. In summary, the available evidence is currently insufficient to determine the role of this variant in disease. Therefore, it has been classified as a Variant of Uncertain Significance.

Ambry Genetics
Classification: Likely benign for Inborn genetic diseases. Last evaluated: 2025-01-15. Review status: criteria provided, single submitter. Criteria: Ambry Variant Classification Scheme 2023. Collection method: clinical testing. Allele origin: germline.

Blueprint Genetics
Classification: Uncertain significance. Last evaluated: 2024-05-07. Review status: criteria provided, single submitter. Criteria: ACMG Guidelines, 2015. Collection method: clinical testing. Allele origin: germline.

Baylor Genetics
Classification: Uncertain significance for Acute myeloid leukemia. Last evaluated: 2023-08-07. Review status: criteria provided, single submitter. Criteria: ACMG Guidelines, 2015. Collection method: clinical testing. Allele origin: unknown.

Revvity Omics, Revvity
Classification: Uncertain significance for Acute myeloid leukemia. Last evaluated: 2022-03-30. Review status: criteria provided, single submitter. Criteria: ACMG Guidelines, 2015. Collection method: clinical testing. Allele origin: germline.

NM_004364.5(CEBPA):c.252C>G (p.His84Gln)

Gene: CEBPA (CCAAT enhancer binding protein alpha; minus strand). Cytogenetic location: 19q13.11.
Variant type: single nucleotide variant.
Coding change: c.252C>G on transcript NM_004364.5 (MANE Select); coding-DNA position 252, C replaced by G.
Protein change: p.His84Gln; replaces histidine 84 with glutamine.
Molecular consequence: missense variant. On other transcripts: 5 prime UTR variant (1).
Genome position (GRCh38, 1-based): chr19:33,302,163, G>C on the plus strand (C>G on the coding strand, the complement: CEBPA is on the minus strand). VCF-style: chr19-33302163-G-C. GRCh37 (hg19) VCF-style: chr19-33793069-G-C.
Other names: c.-106C>G (NM_001285829.2); c.357C>G, p.His119Gln (NM_001287424.2); c.210C>G, p.His70Gln (NM_001287435.2); c.252C>G (NM_004364.3); short protein forms H84Q, H119Q, H70Q.
Identifiers: ClinVar variation 239920 (VCV000239920.16), dbSNP rs878854700, ClinGen allele CA10583802.